The following is an entry in ClinVar:

NM_003632.3(CNTNAP1):c.1661G>A (p.Arg554His)

Gene: CNTNAP1 (contactin associated protein 1; plus strand). Cytogenetic location: 17q21.2.
Variant type: single nucleotide variant.
Coding change: c.1661G>A on transcript NM_003632.3 (MANE Select); coding-DNA position 1661, G replaced by A.
Protein change: p.Arg554His; replaces arginine 554 with histidine.
Molecular consequence: missense variant.
Genome position (GRCh38, 1-based): chr17:42,689,553, G>A. VCF-style: chr17-42689553-G-A. GRCh37 (hg19) VCF-style: chr17-40841571-G-A.
Other names: short protein forms R554H.
Identifiers: ClinVar variation 2069418 (VCV002069418.4), dbSNP rs1400184247, ClinGen allele CA399640872.

ClinVar aggregate classification (germline): Uncertain significance (1 of 4 stars; one submission).

Allele frequency attached by ClinVar (database versions not stated): gnomAD exomes below 0.00001.
gnomAD v4.1: 5 of 1,613,712 alleles (0.00031%); highest among the groups gnomAD compares: East Asian, 0.0045%; no homozygotes.

Submission:

Labcorp Genetics (formerly Invitae), Labcorp
Classification: Uncertain significance. Last evaluated: 2024-03-04. Review status: criteria provided, single submitter. Criteria: Invitae Variant Classification Sherloc (09022015). Collection method: clinical testing. Allele origin: germline.
Comment: This sequence change replaces arginine, which is basic and polar, with histidine, which is basic and polar, at codon 554 of the CNTNAP1 protein (p.Arg554His). This variant is present in population databases (no rsID available, gnomAD 0.0009%). This variant has not been reported in the literature in individuals affected with CNTNAP1-related conditions. ClinVar contains an entry for this variant (Variation ID: 2069418). An algorithm developed to predict the effect of missense changes on protein structure and function (PolyPhen-2) suggests that this variant is likely to be tolerated. In summary, the available evidence is currently insufficient to determine the role of this variant in disease. Therefore, it has been classified as a Variant of Uncertain Significance.